The following is an entry in ClinVar:

ClinVar aggregate classification (germline): Uncertain significance. Review status: criteria provided, multiple submitters, no conflicts (2 of 4 stars). 3 submissions from 3 submitters: Uncertain significance (3). Last evaluated 2026-06-24.

Conditions:
Osteogenesis imperfecta type I (OI1). Also called: Lobstein disease; OI, TYPE I; OSTEOGENESIS IMPERFECTA TARDA; OSTEOGENESIS IMPERFECTA WITH BLUE SCLERAE; Osteogenesis imperfecta type 1; Classic Non-deforming Osteogenesis Imperfecta with Blue Sclerae. Identifiers: Orphanet 216796, Orphanet 666, MedGen C0023931, MONDO:0008146, OMIM 166200. Disease mechanism: loss of function.
Cardiovascular phenotype. Identifiers: MedGen CN230736.

Allele frequency attached by ClinVar (database versions not stated): gnomAD 0.00001; TOPMed 0.00001.
gnomAD v4.1: 17 of 1,573,362 alleles (0.0011%); highest among the groups gnomAD compares: Admixed American, 0.0018%; no homozygotes.

Submissions (3):

Ambry Genetics
Classification: Uncertain significance for Cardiovascular phenotype. Last evaluated: 2026-06-24. Review status: criteria provided, single submitter. Criteria: Ambry Variant Classification Scheme 2023. Collection method: clinical testing. Allele origin: germline.

GeneDx
Classification: Uncertain significance. Last evaluated: 2024-05-08. Review status: criteria provided, single submitter. Criteria: GeneDx Variant Classification Process June 2021. Collection method: clinical testing. Allele origin: germline. Affected: yes.
Comment: Not observed at significant frequency in large population cohorts (gnomAD); In silico analysis supports that this missense variant has a deleterious effect on protein structure/function; Has not been previously published as pathogenic or benign to our knowledge; Occurs in the triple helical domain at the Y position in the canonical Gly-X-Y repeat; although this variant may have an effect on normal protein folding and function, missense substitution at the Y position is not a common mechanism of disease (HGMD)

Labcorp Genetics (formerly Invitae), Labcorp
Classification: Uncertain significance for Osteogenesis imperfecta type I. Last evaluated: 2020-11-26. Review status: criteria provided, single submitter. Criteria: Invitae Variant Classification Sherloc (09022015). Collection method: clinical testing. Allele origin: germline.
Comment: This variant is not present in population databases (ExAC no frequency) and has not been reported in the literature in individuals with a COL1A1-related disease. This sequence change replaces proline with threonine at codon 475 of the COL1A1 protein (p.Pro475Thr). The proline residue is highly conserved and there is a small physicochemical difference between proline and threonine. Algorithms developed to predict the effect of missense changes on protein structure and function (SIFT, PolyPhen-2, Align-GVGD) all suggest that this variant is likely to be disruptive, but these predictions have not been confirmed by published functional studies. In summary, this variant is a novel missense change with uncertain impact on protein function. It has been classified as a Variant of Uncertain Significance.

NM_000088.4(COL1A1):c.1423C>A (p.Pro475Thr)

Gene: COL1A1 (collagen type I alpha 1 chain; minus strand). Cytogenetic location: 17q21.33.
Variant type: single nucleotide variant.
Coding change: c.1423C>A on transcript NM_000088.4 (MANE Select); coding-DNA position 1423, C replaced by A.
Protein change: p.Pro475Thr; replaces proline 475 with threonine.
Molecular consequence: missense variant.
Genome position (GRCh38, 1-based): chr17:50,194,759, G>T on the plus strand (C>A on the coding strand, the complement: COL1A1 is on the minus strand). VCF-style: chr17-50194759-G-T. GRCh37 (hg19) VCF-style: chr17-48272120-G-T.
Other names: short protein forms P475T.
Identifiers: ClinVar variation 456734 (VCV000456734.13), dbSNP rs1394634754, ClinGen allele CA400217743.